The following is an entry in ClinVar:

ClinVar aggregate classification (germline): Uncertain significance. Review status: criteria provided, multiple submitters, no conflicts (2 of 4 stars). 7 submissions from 5 submitters: Uncertain significance (7). Last evaluated 2024-11-23.

Conditions:
Retinitis pigmentosa (RP). Identifiers: Orphanet 791, MedGen C0035334, MeSH D012174, MONDO:0019200, OMIM 268000. Inheritance: Autosomal dominant, autosomal recessive and X linked inheritance.
Cone-rod dystrophy 10 (CORD10). Identifiers: Orphanet 1872, MedGen C1846529, MONDO:0012464, OMIM 610283.
Retinitis pigmentosa 35 (RP35). Identifiers: Orphanet 791, MedGen C1853214, MONDO:0012463, OMIM 610282.

Allele frequency attached by ClinVar (database versions not stated): TOPMed 0.00003.

Submissions (7):

Blueprint Genetics
Classification: Uncertain significance. Last evaluated: 2024-11-23. Review status: criteria provided, single submitter. Criteria: ACMG Guidelines, 2015. Collection method: clinical testing. Allele origin: germline.

Labcorp Genetics (formerly Invitae), Labcorp
Classification: Uncertain significance. Last evaluated: 2024-10-23. Review status: criteria provided, single submitter. Criteria: Invitae Variant Classification Sherloc (09022015). Collection method: clinical testing. Allele origin: germline.
Comment: This sequence change replaces arginine, which is basic and polar, with serine, which is neutral and polar, at codon 723 of the SEMA4A protein (p.Arg723Ser). This variant is present in population databases (rs199933282, gnomAD 0.009%). This missense change has been observed in individual(s) with retinitis pigmentosa (PMID: 32531858). ClinVar contains an entry for this variant (Variation ID: 292856). An algorithm developed to predict the effect of missense changes on protein structure and function (PolyPhen-2) suggests that this variant is likely to be tolerated. In summary, the available evidence is currently insufficient to determine the role of this variant in disease. Therefore, it has been classified as a Variant of Uncertain Significance.

Genome-Nilou Lab
Classification: Uncertain significance for Cone-rod dystrophy 10. Last evaluated: 2023-04-11. Review status: criteria provided, single submitter. Criteria: ACMG Guidelines, 2015. Collection method: clinical testing. Allele origin: germline. Affected: no.

Genome-Nilou Lab
Classification: Uncertain significance for Retinitis pigmentosa 35. Last evaluated: 2023-04-11. Review status: criteria provided, single submitter. Criteria: ACMG Guidelines, 2015. Collection method: clinical testing. Allele origin: germline. Affected: no.

Illumina Laboratory Services, Illumina
Classification: Uncertain significance for Cone-rod dystrophy 10. Last evaluated: 2018-01-13. Review status: criteria provided, single submitter. Criteria: ICSL Variant Classification Criteria 13 December 2019. Collection method: clinical testing. Allele origin: germline.

Illumina Laboratory Services, Illumina
Classification: Uncertain significance for Retinitis pigmentosa. Last evaluated: 2018-01-13. Review status: criteria provided, single submitter. Criteria: ICSL Variant Classification Criteria 13 December 2019. Collection method: clinical testing. Allele origin: germline.

Breakthrough Genomics
Classification: Uncertain significance. Review status: criteria provided, single submitter. Criteria: ACMG Guidelines, 2015. Collection method: not provided. Allele origin: germline. Inheritance: Autosomal recessive inheritance. Affected: yes.

Literature cited by the submitters: PubMed 32531858 (cited by Labcorp Genetics (formerly Invitae), Labcorp).

NM_022367.4(SEMA4A):c.2167C>A (p.Arg723Ser)

Gene: SEMA4A (semaphorin 4A; plus strand). Cytogenetic location: 1q22.
Variant type: single nucleotide variant.
Coding change: c.2167C>A on transcript NM_022367.4 (MANE Select); coding-DNA position 2167, C replaced by A.
Protein change: p.Arg723Ser; replaces arginine 723 with serine.
Molecular consequence: missense variant.
Genome position (GRCh38, 1-based): chr1:156,176,878, C>A. VCF-style: chr1-156176878-C-A. GRCh37 (hg19) VCF-style: chr1-156146669-C-A.
Other names: c.2167C>A, p.Arg723Ser (NM_001193300.2, NM_001193301.2, NM_001370567.1); c.1771C>A, p.Arg591Ser (NM_001193302.2); c.1870C>A, p.Arg624Ser (NM_001370568.1); c.1660C>A, p.Arg554Ser (NM_001370569.1, NM_001370571.1); short protein forms R723S, R554S, R624S, R591S.
Identifiers: ClinVar variation 292856 (VCV000292856.16), dbSNP rs199933282, ClinGen allele CA1155541.